The following is an entry in ClinVar:

NM_001242896.3(DEPDC5):c.2171-4G>A

Gene: DEPDC5 (DEP domain containing 5, GATOR1 subcomplex subunit; plus strand). Cytogenetic location: 22q12.3.
Variant type: single nucleotide variant.
Coding change: c.2171-4G>A on transcript NM_001242896.3 (MANE Select); 4 bases into the intron before coding-DNA position 2171, G replaced by A.
Molecular consequence: intron variant.
Genome position (GRCh38, 1-based): chr22:31,836,968, G>A. VCF-style: chr22-31836968-G-A. GRCh37 (hg19) VCF-style: chr22-32232954-G-A.
Other names: c.2171-4G>A (NM_001364318.2, NM_001363852.2, NM_001364320.2); c.2171-31G>A (NM_001136029.4, NM_014662.6, NM_001369903.1); c.1937-4G>A (NM_001363854.2, NM_001242897.2, NM_001364319.2); c.2087-4G>A (NM_001369902.1, NM_001369901.1).
Identifiers: ClinVar variation 5006481 (VCV005006481.2).

ClinVar aggregate classification (germline): Uncertain significance (1 of 4 stars; one submission).

Conditions:
Developmental and epileptic encephalopathy 111 (DEE111). Identifiers: MedGen C5882690, MONDO:0957780, OMIM 620504.
Epilepsy, familial focal, with variable foci 1 (FFEVF1). Also called: DEPDC5-Related Epilepsy. Identifiers: MedGen C4551983, MONDO:0024556, OMIM 604364.

gnomAD v4.1: 2 of 1,613,254 alleles (0.00012%); no homozygotes.

Submission:

Juno Genomics, Hangzhou Juno Genomics, Inc
Classification: Uncertain significance for Developmental and epileptic encephalopathy 111; Epilepsy, familial focal, with variable foci 1. Review status: criteria provided, single submitter. Criteria: ACMG Guidelines, 2015. Collection method: clinical testing. Allele origin: germline.
Comment: Absent from controls (or at extremely low frequency if recessive) in Genome Aggregation Database.